The following is an entry in ClinVar:

ClinVar aggregate classification (germline): Uncertain significance (1 of 4 stars; one submission).

Conditions:
Neuropathy, hereditary sensory and autonomic, type 2A (HSAN2A). Also called: ACROOSTEOLYSIS, GIACCAI TYPE; ACROOSTEOLYSIS, NEUROGENIC; MORVAN DISEASE; NEUROPATHY, CONGENITAL SENSORY; NEUROPATHY, HEREDITARY SENSORY RADICULAR, AUTOSOMAL RECESSIVE; NEUROPATHY, HEREDITARY SENSORY, TYPE IIA. Identifiers: Orphanet 970, MedGen C2752089, MONDO:0024309, OMIM 201300.
Generalized epilepsy with febrile seizures plus, type 7 (GEFSP7). Also called: GEFS+, TYPE 7. Identifiers: Orphanet 36387, MedGen C2751778, MONDO:0013470, OMIM 613863.

Allele frequency attached by ClinVar (database versions not stated): gnomAD exomes below 0.00001 and 0.00001; TOPMed below 0.00001; ExAC 0.00001; gnomAD 0.00001; ESP Exome Variant Server 0.00008.
gnomAD v4.1: 5 of 1,614,054 alleles (0.00031%); highest among the groups gnomAD compares: East Asian, 0.0067%; no homozygotes.

Submission:

Labcorp Genetics (formerly Invitae), Labcorp
Classification: Uncertain significance for Neuropathy, hereditary sensory and autonomic, type 2A; Generalized epilepsy with febrile seizures plus, type 7. Last evaluated: 2025-06-18. Review status: criteria provided, single submitter. Criteria: Invitae Variant Classification Sherloc (09022015). Collection method: clinical testing. Allele origin: germline.
Comment: This sequence change replaces histidine, which is basic and polar, with asparagine, which is neutral and polar, at codon 1710 of the SCN9A protein (p.His1710Asn). This variant is present in population databases (rs372887865, gnomAD 0.01%). This variant has not been reported in the literature in individuals affected with SCN9A-related conditions. ClinVar contains an entry for this variant (Variation ID: 538442). Invitae Evidence Modeling of protein sequence and biophysical properties (such as structural, functional, and spatial information, amino acid conservation, physicochemical variation, residue mobility, and thermodynamic stability) indicates that this missense variant is not expected to disrupt SCN9A protein function with a negative predictive value of 95%. In summary, the available evidence is currently insufficient to determine the role of this variant in disease. Therefore, it has been classified as a Variant of Uncertain Significance.

NM_001365536.1(SCN9A):c.5161C>A (p.His1721Asn)

Genes: SCN1A-AS1 (SCN1A and SCN9A antisense RNA 1; plus strand), SCN9A (sodium voltage-gated channel alpha subunit 9; minus strand). Cytogenetic location: 2q24.3.
Variant type: single nucleotide variant.
Coding change: c.5161C>A on transcript NM_001365536.1 (MANE Select); coding-DNA position 5161, C replaced by A.
Protein change: p.His1721Asn; replaces histidine 1721 with asparagine.
Molecular consequence: missense variant.
Genome position (GRCh38, 1-based): chr2:166,199,478, G>T on the plus strand (C>A on the coding strand, the complement: SCN9A is on the minus strand). VCF-style: chr2-166199478-G-T. GRCh37 (hg19) VCF-style: chr2-167055988-G-T.
Other names: c.5128C>A, p.His1710Asn (NM_002977.4); short protein forms H1710N, H1721N.
Identifiers: ClinVar variation 538442 (VCV000538442.10), dbSNP rs372887865, ClinGen allele CA1943719.
Genomic context (GRCh38, chr2:166,199,478, plus strand): 5'-CAAAGTAGAATATTCCAACAGATGGGTTACCACAGTCTCCTTCAACTGAACTTCCAGGAT[G>T]AACTTTTTTTGGGTCACAGTCGGGTGGCTTACTGTTAAGAATAGGTGCTAGCAATCCATC-3'
Protein context (NP_001352465.1, residues 1711-1731): KPPDCDPKKV[His1721Asn]PGSSVEGDCG